The following is an entry in ClinVar:

NM_012087.4(GTF3C5):c.537G>A (p.Pro179=)

Gene: GTF3C5 (general transcription factor IIIC subunit 5; plus strand). Cytogenetic location: 9q34.13.
Variant type: single nucleotide variant.
Coding change: c.537G>A on transcript NM_012087.4 (MANE Select); coding-DNA position 537, G replaced by A.
Protein change: p.Pro179=; no amino-acid change (proline 179 retained).
Molecular consequence: synonymous variant. On other transcripts: intron variant (1).
Genome position (GRCh38, 1-based): chr9:133,043,891, G>A. VCF-style: chr9-133043891-G-A. GRCh37 (hg19) VCF-style: chr9-135919278-G-A.
Other names: c.537G>A, p.Pro179= (NM_001122823.2); c.51-6892G>A (NM_001286709.2).
Identifiers: ClinVar variation 4874229 (VCV004874229.2).

ClinVar aggregate classification (germline): Likely benign (1 of 4 stars; one submission).

Submission:

CeGaT Center for Human Genetics Tuebingen
Classification: Likely benign. Last evaluated: 2026-06-01. Review status: criteria provided, single submitter. Criteria: CeGaT Center For Human Genetics Tuebingen Variant Classification Criteria Version 2. Collection method: clinical testing. Allele origin: germline. Affected: yes. Observed: 1 variant allele.
Comment: GTF3C5: BP4, BP7